The following is an entry in ClinVar:

NM_006593.4(TBR1):c.1216C>T (p.Arg406Cys)

Gene: TBR1 (T-box brain transcription factor 1; plus strand). Cytogenetic location: 2q24.2.
Variant type: single nucleotide variant.
Coding change: c.1216C>T on transcript NM_006593.4 (MANE Select); coding-DNA position 1216, C replaced by T.
Protein change: p.Arg406Cys; replaces arginine 406 with cysteine.
Molecular consequence: missense variant.
Genome position (GRCh38, 1-based): chr2:161,423,394, C>T. VCF-style: chr2-161423394-C-T. GRCh37 (hg19) VCF-style: chr2-162279905-C-T.
Other names: short protein forms R406C.
Identifiers: ClinVar variation 5009922 (VCV005009922.1).

ClinVar aggregate classification (germline): Uncertain significance (1 of 4 stars; one submission).

Submission:

GeneDx
Classification: Uncertain significance. Last evaluated: 2026-02-20. Review status: criteria provided, single submitter. Criteria: GeneDx Variant Classification Process June 2021. Collection method: clinical testing. Allele origin: germline.
Comment: Not observed at significant frequency in large population cohorts (gnomAD); In silico analysis supports that this missense variant has a deleterious effect on protein structure/function; Has not been previously published as pathogenic or benign to our knowledge